The following is an entry in ClinVar:

ClinVar aggregate classification (germline): Conflicting classifications of pathogenicity. Review status: criteria provided, conflicting classifications (1 of 4 stars). 3 submissions from 3 submitters: Uncertain significance (1); Likely benign (2). Last evaluated 2023-09-01.

Conditions:
Dilated cardiomyopathy 1G (CMD1G). Identifiers: Orphanet 154, MedGen C1858763, MONDO:0011400, OMIM 604145.
Autosomal recessive limb-girdle muscular dystrophy type 2J (LGMDR10). Also called: MUSCULAR DYSTROPHY, LIMB-GIRDLE, AUTOSOMAL RECESSIVE 10; Limb-girdle muscular dystrophy, type 2J. Identifiers: Orphanet 140922, MedGen C1837342, MONDO:0012127, OMIM 608807.

Allele frequency attached by ClinVar (database versions not stated): ExAC 0.00001; gnomAD exomes 0.00002; gnomAD 0.00004; TOPMed 0.00004.
gnomAD v4.1: 37 of 1,600,588 alleles (0.0023%); highest among the groups gnomAD compares: Non-Finnish European, 0.0029%; no homozygotes.

Submissions (3):

CeGaT Center for Human Genetics Tuebingen
Classification: Likely benign. Last evaluated: 2023-09-01. Review status: criteria provided, single submitter. Criteria: CeGaT Center For Human Genetics Tuebingen Variant Classification Criteria Version 2. Collection method: clinical testing. Allele origin: germline. Affected: yes. Observed: 1 variant allele.
Comment: TTN: BP4

Labcorp Genetics (formerly Invitae), Labcorp
Classification: Uncertain significance for Dilated cardiomyopathy 1G; Autosomal recessive limb-girdle muscular dystrophy type 2J. Last evaluated: 2019-01-12. Review status: criteria provided, single submitter. Criteria: Invitae Variant Classification Sherloc (09022015). Collection method: clinical testing. Allele origin: germline.
Comment: This sequence change falls in intron 143 of the TTN gene. It does not directly change the encoded amino acid sequence of the TTN protein, but it affects a nucleotide within the consensus splice site of the intron. This variant is present in population databases (rs750851792, ExAC 0.002%). This variant has not been reported in the literature in individuals with TTN-related conditions. ClinVar contains an entry for this variant (Variation ID: 516814). This variant is located in the I band of TTN (PMID: 25589632).¬†Variants in this region may be relevant for neuromuscular disorders, but have not been definitively shown to cause cardiomyopathy (PMID: 23975875). Nucleotide substitutions within the consensus splice site are a relatively common cause of aberrant splicing (PMID: 17576681, 9536098). Algorithms developed to predict the effect of sequence changes on RNA splicing suggest that this variant is not likely to affect RNA splicing, but this prediction has not been confirmed by published transcriptional studies. In summary, the available evidence is currently insufficient to determine the role of this variant in disease. Therefore, it has been classified as a Variant of Uncertain Significance.

GeneDx
Classification: Likely benign. Last evaluated: 2018-01-29. Review status: criteria provided, single submitter. Criteria: GeneDx Variant Classification (06012015). Collection method: clinical testing. Allele origin: germline. Affected: yes.
Comment: This variant is considered likely benign or benign based on one or more of the following criteria: it is a conservative change, it occurs at a poorly conserved position in the protein, it is predicted to be benign by multiple in silico algorithms, and/or has population frequency not consistent with disease.

Literature cited by the submitters: PubMed 25589632 (cited by Labcorp Genetics (formerly Invitae), Labcorp); PubMed 23975875 (cited by Labcorp Genetics (formerly Invitae), Labcorp); PubMed 17576681 (cited by Labcorp Genetics (formerly Invitae), Labcorp); PubMed 9536098 (cited by Labcorp Genetics (formerly Invitae), Labcorp).

NM_001267550.2(TTN):c.33826+4C>T

Gene: TTN (titin; minus strand). Cytogenetic location: 2q31.2.
Variant type: single nucleotide variant.
Coding change: c.33826+4C>T on transcript NM_001267550.2 (MANE Select); 4 bases into the intron after coding-DNA position 33826, C replaced by T.
Molecular consequence: intron variant.
Genome position (GRCh38, 1-based): chr2:178,678,743, G>A on the plus strand (C>T on the coding strand, the complement: TTN is on the minus strand). VCF-style: chr2-178678743-G-A. GRCh37 (hg19) VCF-style: chr2-179543470-G-A.
Other names: c.13283-36426C>T (NM_003319.4); c.13859-36426C>T (NM_133437.4); c.13658-36426C>T (NM_133432.3); c.30094+4C>T (NM_133378.4); c.32875+4C>T (NM_001256850.1).
Identifiers: ClinVar variation 516814 (VCV000516814.29), dbSNP rs750851792, ClinGen allele CA1998227.